The following is an entry in ClinVar:

NM_001041.4(SI):c.4692+4T>C

Gene: SI (sucrase-isomaltase; minus strand). Cytogenetic location: 3q26.1.
Variant type: single nucleotide variant.
Coding change: c.4692+4T>C on transcript NM_001041.4 (MANE Select); 4 bases into the intron after coding-DNA position 4692, T replaced by C.
Molecular consequence: intron variant.
Genome position (GRCh38, 1-based): chr3:164,996,531, A>G on the plus strand (T>C on the coding strand, the complement: SI is on the minus strand). VCF-style: chr3-164996531-A-G. GRCh37 (hg19) VCF-style: chr3-164714319-A-G.
Identifiers: ClinVar variation 2063171 (VCV002063171.1), dbSNP rs776979788, ClinGen allele CA2689833.

ClinVar aggregate classification (germline): Uncertain significance (1 of 4 stars; one submission).

Allele frequency attached by ClinVar (database versions not stated): ExAC 0.00001; gnomAD 0.00002; TOPMed 0.00003.
gnomAD v4.1: 120 of 1,383,012 alleles (0.0087%); highest among the groups gnomAD compares: Non-Finnish European, 0.012%; no homozygotes.

Submission:

Labcorp Genetics (formerly Invitae), Labcorp
Classification: Uncertain significance. Last evaluated: 2022-08-07. Review status: criteria provided, single submitter. Criteria: Invitae Variant Classification Sherloc (09022015). Collection method: clinical testing. Allele origin: germline.
Comment: This sequence change falls in intron 40 of the SI gene. It does not directly change the encoded amino acid sequence of the SI protein. It affects a nucleotide within the consensus splice site. This variant is present in population databases (rs776979788, gnomAD 0.006%). This variant has not been reported in the literature in individuals affected with SI-related conditions. Variants that disrupt the consensus splice site are a relatively common cause of aberrant splicing (PMID: 17576681, 9536098). Algorithms developed to predict the effect of sequence changes on RNA splicing suggest that this variant is not likely to affect RNA splicing. In summary, the available evidence is currently insufficient to determine the role of this variant in disease. Therefore, it has been classified as a Variant of Uncertain Significance.

Literature cited by the submitters: PubMed 17576681; PubMed 9536098.